The following is an entry in ClinVar:

NM_020988.3(GNAO1):c.955A>G (p.Ile319Val)

Gene: GNAO1 (G protein subunit alpha o1; plus strand). Cytogenetic location: 16q13.
Variant type: single nucleotide variant.
Coding change: c.955A>G on transcript NM_020988.3 (MANE Select); coding-DNA position 955, A replaced by G.
Protein change: p.Ile319Val; replaces isoleucine 319 with valine.
Molecular consequence: missense variant.
Genome position (GRCh38, 1-based): chr16:56,354,943, A>G. VCF-style: chr16-56354943-A-G. GRCh37 (hg19) VCF-style: chr16-56388855-A-G.
Other names: short protein forms I319V.
Identifiers: ClinVar variation 5005599 (VCV005005599.2).

ClinVar aggregate classification (germline): Uncertain significance (1 of 4 stars; one submission).

Conditions:
Neurodevelopmental disorder with involuntary movements (NEDIM). Identifiers: Orphanet 592564, MedGen C4479569, MONDO:0060491, OMIM 617493.
Developmental and epileptic encephalopathy, 17 (DEE17). Also called: Early infantile epileptic encephalopathy 17. Identifiers: Orphanet 1934, MedGen C3809606, MONDO:0014199, OMIM 615473.

Submission:

Juno Genomics, Hangzhou Juno Genomics, Inc
Classification: Uncertain significance for Developmental and epileptic encephalopathy, 17; Neurodevelopmental disorder with involuntary movements. Review status: criteria provided, single submitter. Criteria: ACMG Guidelines, 2015. Collection method: clinical testing. Allele origin: germline.
Comment: Absent from controls (or at extremely low frequency if recessive) in Genome Aggregation Database.;Missense variant in a gene that has a low rate of benign missense variation.